The following is an entry in ClinVar:

NM_001372.4(DNAH9):c.6297C>T (p.Pro2099=)

Gene: DNAH9 (dynein axonemal heavy chain 9; plus strand). Cytogenetic location: 17p12.
Variant type: single nucleotide variant.
Coding change: c.6297C>T on transcript NM_001372.4 (MANE Select); coding-DNA position 6297, C replaced by T.
Protein change: p.Pro2099=; no amino-acid change (proline 2099 retained).
Molecular consequence: synonymous variant.
Genome position (GRCh38, 1-based): chr17:11,744,982, C>T. VCF-style: chr17-11744982-C-T. GRCh37 (hg19) VCF-style: chr17-11648299-C-T.
Other names: p.Pro2099=; c.6297C>T (NM_001372.3).
Identifiers: ClinVar variation 1667298 (VCV001667298.36), dbSNP rs143732515, ClinGen allele CA8396267.

ClinVar aggregate classification (germline): Benign/Likely benign. Review status: criteria provided, multiple submitters, no conflicts (2 of 4 stars). 6 submissions from 6 submitters: Benign (1); Likely benign (4). 1 of the submissions does not count toward it. Last evaluated 2026-01-29.

Conditions:
DNAH9-related disorder. Also called: DNAH9-related condition.
Ciliary dyskinesia, primary, 40. Also called: CILIARY DYSKINESIA, PRIMARY, 40, WITH OR WITHOUT SITUS INVERSUS. Identifiers: MedGen C4749028, MONDO:0032664, OMIM 618300.

Allele frequency attached by ClinVar (database versions not stated): 1000 Genomes Project 30x 0.00094; 1000 Genomes Project 0.00120; gnomAD 0.00189 and 0.00195; TOPMed 0.00196; ExAC 0.00206; gnomAD exomes 0.00210; ESP Exome Variant Server 0.00300.

Submissions (6):

Labcorp Genetics (formerly Invitae), Labcorp
Classification: Benign. Last evaluated: 2026-01-29. Review status: criteria provided, single submitter. Criteria: Invitae Variant Classification Sherloc (09022015). Collection method: clinical testing. Allele origin: germline.

CeGaT Center for Human Genetics Tuebingen
Classification: Likely benign. Last evaluated: 2025-11-01. Review status: criteria provided, single submitter. Criteria: CeGaT Center For Human Genetics Tuebingen Variant Classification Criteria Version 2. Collection method: clinical testing. Allele origin: germline. Affected: yes. Observed: 4 variant alleles.
Comment: DNAH9: BP4, BP7

Mayo Clinic Laboratories, Mayo Clinic
Classification: Likely benign. Last evaluated: 2025-04-22. Review status: criteria provided, single submitter. Criteria: ACMG Guidelines, 2015. Collection method: clinical testing. Allele origin: germline. Observed: 4 variant alleles.
Comment: BS2, BP4, BP7

Blueprint Genetics
Classification: Likely benign. Last evaluated: 2024-11-27. Review status: criteria provided, single submitter. Criteria: ACMG Guidelines, 2015. Collection method: clinical testing. Allele origin: germline.

Fulgent Genetics
Classification: Likely benign for Ciliary dyskinesia, primary, 40. Last evaluated: 2022-04-01. Review status: criteria provided, single submitter. Criteria: ACMG Guidelines, 2015. Collection method: clinical testing. Allele origin: unknown.

PreventionGenetics, part of Exact Sciences
Classification: Likely benign for DNAH9-related condition. Last evaluated: 2019-10-28. Review status: no assertion criteria provided. Collection method: clinical testing. Allele origin: germline. Not counted in ClinVar's aggregate classification.
Comment: This variant is classified as likely benign based on ACMG/AMP sequence variant interpretation guidelines (Richards et al. 2015 PMID: 25741868, with internal and published modifications).